The following is an entry in ClinVar:

ClinVar aggregate classification (germline): Likely benign (1 of 4 stars; one submission).

Conditions:
Mitochondrial complex III deficiency nuclear type 2. Identifiers: MedGen C3554605, MONDO:0014063, OMIM 615157.

Allele frequency attached by ClinVar (database versions not stated): gnomAD exomes 0.03745 and 0.04407; ExAC 0.04618; gnomAD 0.05116 and 0.05160; TOPMed 0.05372; 1000 Genomes Project 0.06809; 1000 Genomes Project 30x 0.06964.
gnomAD v4.1: 19,077 of 453,934 alleles (4.2%); highest among the groups gnomAD compares: African/African-American, 9.6%; 539 homozygotes.

Submission:

Illumina Laboratory Services, Illumina
Classification: Likely benign for Mitochondrial complex III deficiency nuclear type 2. Last evaluated: 2018-01-13. Review status: criteria provided, single submitter. Criteria: ICSL Variant Classification Criteria 13 December 2019. Collection method: clinical testing. Allele origin: germline.
Comment: This variant was observed in the ICSL laboratory as part of a predisposition screen in an ostensibly healthy population. It had not been previously curated by ICSL or reported in the Human Gene Mutation Database (HGMD: prior to June 1st, 2018), and was therefore a candidate for classification through an automated scoring system. Utilizing variant allele frequency, disease prevalence and penetrance estimates, and inheritance mode, an automated score was calculated to assess if this variant is too frequent to cause the disease. Based on the score and internal cut-off values, a variant classified as likely benign is not then subjected to further curation. The score for this variant resulted in a classification of likely benign for this disease.

NM_017775.4(TTC19):c.*600G>A

Gene: TTC19 (tetratricopeptide repeat domain 19; plus strand). Cytogenetic location: 17p12.
Variant type: single nucleotide variant.
Coding change: c.*600G>A on transcript NM_017775.4 (MANE Select); 600 bases downstream of the stop codon, G replaced by A.
Molecular consequence: 3 prime UTR variant.
Genome position (GRCh38, 1-based): chr17:16,028,122, G>A. VCF-style: chr17-16028122-G-A. GRCh37 (hg19) VCF-style: chr17-15931436-G-A.
Other names: c.*600G>A (NM_001271420.2).
Identifiers: ClinVar variation 321958 (VCV000321958.5), dbSNP rs73981413, ClinGen allele CA8407668.